The following is an entry in ClinVar:

ClinVar aggregate classification (germline): Pathogenic (1 of 4 stars; one submission).

Submission:

Labcorp Genetics (formerly Invitae), Labcorp
Classification: Pathogenic. Last evaluated: 2024-02-25. Review status: criteria provided, single submitter. Criteria: Invitae Variant Classification Sherloc (09022015). Collection method: clinical testing. Allele origin: germline.
Comment: This sequence change creates a premature translational stop signal (p.Pro500Leufs*20) in the IMPG1 gene. It is expected to result in an absent or disrupted protein product. Loss-of-function variants in IMPG1 are known to be pathogenic (PMID: 23993198). This variant is not present in population databases (gnomAD no frequency). This variant has not been reported in the literature in individuals affected with IMPG1-related conditions. For these reasons, this variant has been classified as Pathogenic.

Literature cited by the submitters: PubMed 23993198.

NM_001563.4(IMPG1):c.1499del (p.Pro500fs)

Gene: IMPG1 (interphotoreceptor matrix proteoglycan 1; minus strand). Cytogenetic location: 6q14.1.
Variant type: Deletion.
Coding change: c.1499del on transcript NM_001563.4 (MANE Select); coding-DNA position 1499, one base deleted (C; older notation c.1499delC).
Protein change: p.Pro500fs; shifts the reading frame from proline 500.
Molecular consequence: frameshift variant.
Genome position (GRCh38, 1-based): chr6:75,950,887, G deleted on the plus strand (C on the coding strand, the reverse complement: IMPG1 is on the minus strand); the first of 2 consecutive G bases (chr6:75,950,887-75,950,888); deleting either gives the same sequence. VCF-style (leftmost placement, unchanged base first): chr6-75950886-AG-A. GRCh37 (hg19) VCF-style: chr6-76660603-AG-A.
Other names: c.1265del, p.Pro422fs (NM_001282368.2); short protein forms P422fs, P500fs.
Identifiers: ClinVar variation 3642100 (VCV003642100.2).